The following is an entry in ClinVar:

NM_174936.4(PCSK9):c.1441G>A (p.Glu481Lys)

Gene: PCSK9 (proprotein convertase subtilisin/kexin type 9; plus strand). Cytogenetic location: 1p32.3.
Variant type: single nucleotide variant.
Coding change: c.1441G>A on transcript NM_174936.4 (MANE Select); coding-DNA position 1441, G replaced by A.
Protein change: p.Glu481Lys; replaces glutamic acid 481 with lysine.
Molecular consequence: missense variant.
Genome position (GRCh38, 1-based): chr1:55,058,585, G>A. VCF-style: chr1-55058585-G-A. GRCh37 (hg19) VCF-style: chr1-55524258-G-A.
Other names: c.1564G>A, p.Glu522Lys (NM_001407240.1); c.1441G>A, p.Glu481Lys (NM_001407241.1); c.1444G>A, p.Glu482Lys (NM_001407242.1); c.1384G>A, p.Glu462Lys (NM_001407243.1); c.1267G>A, p.Glu423Lys (NM_001407244.1); c.1249G>A, p.Glu417Lys (NM_001407245.1); c.1066G>A, p.Glu356Lys (NM_001407246.1); short protein forms E481K, E356K, E423K, E462K, E417K, E482K, E522K.
Identifiers: ClinVar variation 1171623 (VCV001171623.4), dbSNP rs2100326154, ClinGen allele CA340479026.

ClinVar aggregate classification (germline): Uncertain significance (1 of 4 stars; one submission).

Conditions:
Familial hypercholesterolemia. Also called: Familial hypercholesterolaemia. Identifiers: MedGen C0020445, MONDO:0005439.

Allele frequency attached by ClinVar (database versions not stated): gnomAD exomes below 0.00001.

Submission:

Color Diagnostics, LLC DBA Color Health
Classification: Uncertain significance for Familial hypercholesterolemia. Last evaluated: 2024-03-06. Review status: criteria provided, single submitter. Criteria: ACMG Guidelines, 2015. Collection method: clinical testing. Allele origin: germline.
Comment: This missense variant replaces glutamic acid with lysine at codon 481 of the PCSK9 protein. Computational prediction suggests that this variant may not impact protein structure and function (internally defined REVEL score threshold <= 0.5, PMID: 27666373). To our knowledge, functional studies have not been reported for this variant. This variant has not been reported in individuals affected with familial hypercholesterolemia in the literature. This variant has not been identified in the general population by the Genome Aggregation Database (gnomAD). The available evidence is insufficient to determine the role of this variant in disease conclusively. Therefore, this variant is classified as a Variant of Uncertain Significance.